The following is an entry in ClinVar:

ClinVar aggregate classification (germline): Uncertain significance. Review status: criteria provided, multiple submitters, no conflicts (2 of 4 stars). 3 submissions from 3 submitters: Uncertain significance (2). 1 of the submissions does not count toward it. Last evaluated 2026-03-23.

Conditions:
Polycystic kidney disease. Also called: Kidney, Polycystic; Polycystic kidney dysplasia. Identifiers: MedGen C0022680, MeSH D007690, MONDO:0020642, HP:0000113.
Polycystic kidney disease 2 (PKD2). Also called: POLYCYSTIC KIDNEY DISEASE, ADULT, TYPE II; Polycystic Kidney Disease 2, Autosomal Dominant; POLYCYSTIC KIDNEY DISEASE 2 WITH OR WITHOUT POLYCYSTIC LIVER DISEASE. Identifiers: MedGen C2751306, MONDO:0013131, OMIM 613095.
PKD2-related disorder. Also called: PKD2-related condition.

Allele frequency attached by ClinVar (database versions not stated): gnomAD exomes below 0.00001.
gnomAD v4.1: 1 of 1,570,122 alleles (0.000064%); no homozygotes.

Submissions (3):

PreventionGenetics, part of Exact Sciences
Classification: Uncertain significance for PKD2-related condition. Last evaluated: 2026-03-23. Review status: criteria provided, single submitter. Criteria: ACMG Guidelines, 2015. Collection method: clinical testing. Allele origin: germline.
Comment: The PKD2 c.1709G>T variant is predicted to result in the amino acid substitution p.Trp570Leu. To our knowledge, this variant has not been reported in the literature or in a large population database (gnomAD), indicating this variant is rare. At this time, the clinical significance of this variant is uncertain due to the absence of conclusive functional and genetic evidence.

Fulgent Genetics
Classification: Uncertain significance for Polycystic kidney disease 2. Last evaluated: 2021-12-22. Review status: criteria provided, single submitter. Criteria: ACMG Guidelines, 2015. Collection method: clinical testing. Allele origin: unknown.

Department of Pathology and Laboratory Medicine, Sinai Health System
Classification: Uncertain significance for Polycystic Kidney disease. Review status: no assertion criteria provided. Collection method: clinical testing. Allele origin: unknown. Affected: yes. Study: The Canadian Open Genetics Repository (COGR). Not counted in ClinVar's aggregate classification.
Comment: The PKD2 p.Trp570Leu variant was not identified in the literature nor was it identified in the dbSNP, ClinVar, GeneInsight-COGR, LOVD 3.0, ADPKD Mutation Database, PKD1-LOVD, databases. The variant was not identified in the 1000 Genomes Project, the NHLBI GO Exome Sequencing Project or the Exome Aggregation Consortium (August 8th 2016) control databases. The p.Trp570 residue is conserved across mammals and other organisms, and four out of five computational analyses (PolyPhen-2, SIFT, AlignGVGD, BLOSUM, MutationTaster) suggest that the Leu variant may impact the protein; however, this information is not predictive enough to assume pathogenicity. The variant occurs outside of the splicing consensus sequence and in silico or computational prediction software programs (SpliceSiteFinder, MaxEntScan, NNSPLICE, GeneSplicer, HumanSpliceFinder) do not predict a difference in splicing. The variant is located with the Polycystin cation channel, PKD2 functional domain increasing the likelihood that it may have clinical significance. In summary, based on the above information, the clinical significance of this variant cannot be determined with certainty at this time. This variant is classified as a variant of uncertain significance. References (PMIDs): N/A

NM_000297.4(PKD2):c.1709G>T (p.Trp570Leu)

Gene: PKD2 (polycystin 2, transient receptor potential cation channel; plus strand). Cytogenetic location: 4q22.1.
Variant type: single nucleotide variant.
Coding change: c.1709G>T on transcript NM_000297.4 (MANE Select); coding-DNA position 1709, G replaced by T.
Protein change: p.Trp570Leu; replaces tryptophan 570 with leucine.
Molecular consequence: missense variant. On other transcripts: non-coding transcript variant (1).
Genome position (GRCh38, 1-based): chr4:88,052,151, G>T. VCF-style: chr4-88052151-G-T. GRCh37 (hg19) VCF-style: chr4-88973303-G-T.
Other names: c.1709G>T (NM_000297.3); short protein forms W570L.
Identifiers: ClinVar variation 997234 (VCV000997234.3), dbSNP rs1720129428, ClinGen allele CA357622403.
Genomic context (GRCh38, chr4:88,052,151, plus strand): 5'-ATCTGGCATATTGGCAGATACAGTTCAACAATATAGCTGCTGTCACAGTATTTTTTGTCT[G>T]GATTAAGGTAATTTATAAATTTCATGTTCTACATTTTAAATAATATTTTCTTTAAAAAAA-3'
Protein context (NP_000288.1, residues 560-580): NIAAVTVFFV[Trp570Leu]IKLFKFINFN